The following is an entry in ClinVar:

ClinVar aggregate classification (germline): Pathogenic/Likely pathogenic. Review status: criteria provided, multiple submitters, no conflicts (2 of 4 stars). 2 submissions from 2 submitters: Pathogenic (1); Likely pathogenic (1). Last evaluated 2025-05-26.

Conditions:
Occipital pachygyria and polymicrogyria. Identifiers: Orphanet 280640, MedGen C3279875, MONDO:0013583, OMIM 614115.

Submissions (2):

Labcorp Genetics (formerly Invitae), Labcorp
Classification: Pathogenic. Last evaluated: 2025-05-26. Review status: criteria provided, single submitter. Criteria: Invitae Variant Classification Sherloc (09022015). Collection method: clinical testing. Allele origin: germline.
Comment: This sequence change creates a premature translational stop signal (p.Asp1168Hisfs*63) in the LAMC3 gene. It is expected to result in an absent or disrupted protein product. Loss-of-function variants in LAMC3 are known to be pathogenic (PMID: 21572413, 26802095). This variant is present in population databases (rs762738493, gnomAD 0.0009%). This variant has not been reported in the literature in individuals affected with LAMC3-related conditions. For these reasons, this variant has been classified as Pathogenic.

Variantyx, Inc.
Classification: Likely pathogenic for Occipital pachygyria and polymicrogyria. Last evaluated: 2025-05-19. Review status: criteria provided, single submitter. Criteria: Variantyx Assertion Criteria 2022. Collection method: clinical testing. Allele origin: germline. Inheritance: Autosomal recessive inheritance. Affected: no.
Comment: This is a frameshift variant in the LAMC3 gene (OMIM: 604349). Pathogenic variants in this gene have been associated with autosomal recessive occipital cortical malformations. This variant introduces a premature termination codon in exon 21 out of 28 and is expected to result in loss of function, which is a known disease mechanism for LAMC3 in this disorder (PMID: 21572413, 26802095) (PVS1). This variant has a 0.0016% maximum allele frequency in non-founder control populations (PM2). Based on the current evidence, this variant is classified as likely pathogenic for autosomal recessive occipital cortical malformations.

Literature cited by the submitters: PubMed 21572413 (cited by Labcorp Genetics (formerly Invitae), Labcorp and Variantyx, Inc.); PubMed 26802095 (cited by Labcorp Genetics (formerly Invitae), Labcorp and Variantyx, Inc.).

NM_006059.4(LAMC3):c.3502_3503del (p.Asp1168fs)

Gene: LAMC3 (laminin subunit gamma 3; plus strand). Cytogenetic location: 9q34.12.
Variant type: Microsatellite.
Coding change: c.3502_3503del on transcript NM_006059.4 (MANE Select); coding-DNA positions 3502 to 3503, 2 bases deleted (GA; older notation c.3502_3503delGA).
Protein change: p.Asp1168fs; shifts the reading frame from aspartic acid 1168.
Molecular consequence: frameshift variant.
Genome position (GRCh38, 1-based): chr9:131,075,838-131,075,839, GA deleted; deleting any 2 consecutive bases within chr9:131,075,835-131,075,839 gives the same sequence; the c. name uses the placement nearest the transcript's 3' end. VCF-style (leftmost placement, unchanged base first): chr9-131075834-CAG-C. GRCh37 (hg19) VCF-style: chr9-133951221-CAG-C.
Other names: short protein forms D1168fs.
Identifiers: ClinVar variation 2796410 (VCV002796410.3), dbSNP rs762738493, ClinGen allele CA5287836.